The following is an entry in ClinVar:

NM_006950.3(SYN1):c.377+6C>A

Gene: SYN1 (synapsin I; minus strand). Cytogenetic location: Xp11.23.
Variant type: single nucleotide variant.
Coding change: c.377+6C>A on transcript NM_006950.3 (MANE Select); 6 bases into the intron after coding-DNA position 377, C replaced by A.
Molecular consequence: intron variant.
Genome position (GRCh38, 1-based): chrX:47,619,346, G>T on the plus strand (C>A on the coding strand, the complement: SYN1 is on the minus strand). VCF-style: chrX-47619346-G-T. GRCh37 (hg19) VCF-style: chrX-47478745-G-T.
Other names: c.377+6C>A (NM_133499.2).
Identifiers: ClinVar variation 2857697 (VCV002857697.3), dbSNP rs1165500127, ClinGen allele CA1132903982.

ClinVar aggregate classification (germline): Uncertain significance (1 of 4 stars; one submission).

Conditions:
Epilepsy, X-linked 1, with variable learning disabilities and behavior disorders. Also called: X-linked epilepsy-learning disabilities-behavior disorders syndrome. Identifiers: Orphanet 85294, MedGen C5774177, MONDO:0010339, OMIM 300491.

Submission:

Labcorp Genetics (formerly Invitae), Labcorp
Classification: Uncertain significance for Epilepsy, X-linked 1, with variable learning disabilities and behavior disorders. Last evaluated: 2023-04-20. Review status: criteria provided, single submitter. Criteria: Invitae Variant Classification Sherloc (09022015). Collection method: clinical testing. Allele origin: germline.
Comment: In summary, the available evidence is currently insufficient to determine the role of this variant in disease. Therefore, it has been classified as a Variant of Uncertain Significance. Variants that disrupt the consensus splice site are a relatively common cause of aberrant splicing (PMID: 17576681, 9536098). Algorithms developed to predict the effect of sequence changes on RNA splicing suggest that this variant is not likely to affect RNA splicing. This variant has not been reported in the literature in individuals affected with SYN1-related conditions. This variant is not present in population databases (gnomAD no frequency). This sequence change falls in intron 1 of the SYN1 gene. It does not directly change the encoded amino acid sequence of the SYN1 protein. It affects a nucleotide within the consensus splice site.

Literature cited by the submitters: PubMed 17576681; PubMed 9536098.